The following is an entry in ClinVar:

ClinVar aggregate classification (germline): Conflicting classifications of pathogenicity. Review status: criteria provided, conflicting classifications (1 of 4 stars). 3 submissions from 3 submitters: Uncertain significance (1); Likely benign (2). Last evaluated 2025-11-10.

Conditions:
Hereditary cancer-predisposing syndrome. Also called: Neoplastic Syndromes, Hereditary; Hereditary neoplastic syndrome; Tumor predisposition; Hereditary Cancer Syndrome. Identifiers: Orphanet 140162, MedGen C0027672, MeSH D009386, MONDO:0015356.
POLD1-related polyposis and colorectal cancer syndrome (CRCS10). Also called: Colorectal cancer 10; COLORECTAL CANCER, SUSCEPTIBILITY TO, ON CHROMOSOME 19q; Colorectal cancer, susceptibility to, 10. Identifiers: Orphanet 220460, MedGen C2675481, MONDO:0012953, OMIM 612591.

Allele frequency attached by ClinVar (database versions not stated): TOPMed below 0.00001; gnomAD 0.00001; ExAC 0.00004.
gnomAD v4.1: 10 of 1,613,596 alleles (0.00062%); highest among the groups gnomAD compares: East Asian, 0.0067%; no homozygotes.

Submissions (3):

Labcorp Genetics (formerly Invitae), Labcorp
Classification: Likely benign for POLD1-related polyposis and colorectal cancer syndrome. Last evaluated: 2025-11-10. Review status: criteria provided, single submitter. Criteria: Invitae Variant Classification Sherloc (09022015). Collection method: clinical testing. Allele origin: germline.

GeneDx
Classification: Uncertain significance. Last evaluated: 2023-12-19. Review status: criteria provided, single submitter. Criteria: GeneDx Variant Classification Process June 2021. Collection method: clinical testing. Allele origin: germline. Affected: yes.
Comment: In silico analysis supports that this variant does not alter splicing; Has not been previously published as pathogenic or benign to our knowledge

Ambry Genetics
Classification: Likely benign for Hereditary cancer-predisposing syndrome. Last evaluated: 2019-03-14. Review status: criteria provided, single submitter. Criteria: Ambry Variant Classification Scheme 2023. Collection method: clinical testing. Allele origin: germline.

NM_002691.4(POLD1):c.538A>C (p.Arg180=)

Gene: POLD1 (DNA polymerase delta 1, catalytic subunit; plus strand). Cytogenetic location: 19q13.33.
Variant type: single nucleotide variant.
Coding change: c.538A>C on transcript NM_002691.4 (MANE Select); coding-DNA position 538, A replaced by C.
Protein change: p.Arg180=; no amino-acid change (arginine 180 retained).
Molecular consequence: synonymous variant. On other transcripts: non-coding transcript variant (1).
Genome position (GRCh38, 1-based): chr19:50,402,073, A>C. VCF-style: chr19-50402073-A-C. GRCh37 (hg19) VCF-style: chr19-50905330-A-C.
Other names: c.538A>C, p.Arg180= (NM_001256849.1, NM_001308632.1).
Identifiers: ClinVar variation 469362 (VCV000469362.12), dbSNP rs749864626, ClinGen allele CA9595788.